The following is an entry in ClinVar:

NM_001009944.3(PKD1):c.9201+3G>C

Gene: PKD1 (polycystin 1, transient receptor potential channel interacting; minus strand). Cytogenetic location: 16p13.3.
Variant type: single nucleotide variant.
Coding change: c.9201+3G>C on transcript NM_001009944.3 (MANE Select); 3 bases into the intron after coding-DNA position 9201, G replaced by C.
Molecular consequence: intron variant.
Genome position (GRCh38, 1-based): chr16:2,102,378, C>G on the plus strand (G>C on the coding strand, the complement: PKD1 is on the minus strand). VCF-style: chr16-2102378-C-G. GRCh37 (hg19) VCF-style: chr16-2152379-C-G.
Other names: c.9201+3G>C (NM_000296.4).
Identifiers: ClinVar variation 3372300 (VCV003372300.2).
Genomic context (GRCh38, chr16:2,102,378, plus strand): 5'-AGCCGAGCCCACCCAGGCCCTCCTCGACTCTGCAGAGGCTCCCAGGAGCACAGGGTCACT[C>G]ACAGGAAACACAAAGCGGACATGGCTTGGGGGCACGAAGAGGCTGGCGCCGAAGGCGGTG-3'

ClinVar aggregate classification (germline): Uncertain significance. Review status: criteria provided, multiple submitters, no conflicts (2 of 4 stars). 2 submissions from 2 submitters: Uncertain significance (2). Last evaluated 2024-05-02.

Conditions:
Autosomal dominant polycystic kidney disease. Identifiers: Orphanet 730, MedGen C0085413, MONDO:0004691.

Submissions (2):

Molecular Genetics, Royal Melbourne Hospital
Classification: Uncertain significance for Autosomal dominant polycystic kidney disease. Last evaluated: 2024-05-02. Review status: criteria provided, single submitter. Criteria: ACMG Guidelines, 2015. Collection method: clinical testing. Allele origin: germline. Inheritance: Autosomal dominant inheritance. Affected: yes.
Comment: This sequence change in PKD1 is an intronic variant located in intron 24. This variant is absent from the population database gnomAD v4.0. To our knowledge, this variant is novel and has not been previously reported in the relevant scientific literature or databases. The results from an in silico splicing predictor (SpliceAI) indicate that this variant may impact splicing by disrupting the donor splice site of intron 24 resulting in exon 25 skipping of PKD1. RNA studies have not been conducted to confirm this prediction. Based on the classification scheme RMH Modified ACMG/AMP Guidelines v1.6.1, this variant is classified as a VARIANT OF UNCERTAIN SIGNIFICANCE. Following criteria are met: PM2_Supporting, PP3

GeneDx
Classification: Uncertain significance. Last evaluated: 2024-04-12. Review status: criteria provided, single submitter. Criteria: GeneDx Variant Classification Process June 2021. Collection method: clinical testing. Allele origin: germline. Affected: yes.
Comment: Not observed at significant frequency in large population cohorts (gnomAD); In silico analysis supports a deleterious effect on splicing; Has not been previously published as pathogenic or benign to our knowledge